The following is an entry in ClinVar:

NM_000092.5(COL4A4):c.1389del (p.Asn464fs)

Gene: COL4A4 (collagen type IV alpha 4 chain; minus strand). Cytogenetic location: 2q36.3.
Variant type: Deletion.
Coding change: c.1389del on transcript NM_000092.5 (MANE Select); coding-DNA position 1389, one base deleted (G; older notation c.1389delG).
Protein change: p.Asn464fs; shifts the reading frame from asparagine 464.
Molecular consequence: frameshift variant.
Genome position (GRCh38, 1-based): chr2:227,089,938, C deleted on the plus strand (G on the coding strand, the reverse complement: COL4A4 is on the minus strand); the first of 3 consecutive C bases (chr2:227,089,938-227,089,940); deleting any one gives the same sequence. VCF-style (leftmost placement, unchanged base first): chr2-227089937-TC-T. GRCh37 (hg19) VCF-style: chr2-227954653-TC-T.
Other names: short protein forms N464fs.
Identifiers: ClinVar variation 635494 (VCV000635494.7), dbSNP rs1576428862, ClinGen allele CA913189611.
Genomic context (GRCh38, chr2:227,089,937, plus strand): 5'-CTTTTGGGCCTCTTCCTCCTGGGGGACCAACTTTGCCTTTTATTCCTTGTGGTCCGGGGT[TC>T]CCAACACTACAGTATATCACTGTCAAGGAGGTAAGGGGGTGGGCAGAGAGAATCACATAA-3'

ClinVar aggregate classification (germline): Pathogenic/Likely pathogenic. Review status: criteria provided, multiple submitters, no conflicts (2 of 4 stars). 3 submissions from 3 submitters: Pathogenic (1); Likely pathogenic (1). 1 of the submissions does not count toward it. Last evaluated 2024-05-23.

Conditions:
Autosomal recessive Alport syndrome (ATS2). Also called: Alport syndrome type 2; COL4A3-Related Nephropathy; COL4A4 Alport Syndrome and Thin Basement Membrane Nephropathy; ALPORT SYNDROME 2, AUTOSOMAL RECESSIVE. Identifiers: Orphanet 63, Orphanet 88919, MedGen C4746745, MONDO:0008762, OMIM 203780.
Hematuria, benign familial, 1 (BFH1). Also called: THIN MEMBRANE NEPHROPATHY. Identifiers: MedGen CN376803, MONDO:0007709, OMIM 141200.
Autosomal dominant Alport syndrome (ATS3A). Also called: ALPORT SYNDROME 3A, AUTOSOMAL DOMINANT; Alport syndrome dominant type; Renal failure and sensorineural hearing loss. Identifiers: Orphanet 63, Orphanet 88918, MedGen C5882663, MONDO:0007086, OMIM 104200.

Submissions (3):

Fulgent Genetics
Classification: Likely pathogenic for Hematuria, benign familial, 1; Autosomal recessive Alport syndrome. Last evaluated: 2024-05-23. Review status: criteria provided, single submitter. Criteria: ACMG Guidelines, 2015. Collection method: clinical testing. Allele origin: germline.

Labcorp Genetics (formerly Invitae), Labcorp
Classification: Pathogenic. Last evaluated: 2022-09-20. Review status: criteria provided, single submitter. Criteria: Invitae Variant Classification Sherloc (09022015). Collection method: clinical testing. Allele origin: germline.
Comment: For these reasons, this variant has been classified as Pathogenic. ClinVar contains an entry for this variant (Variation ID: 635494). This variant has not been reported in the literature in individuals affected with COL4A4-related conditions. This variant is not present in population databases (gnomAD no frequency). This sequence change creates a premature translational stop signal (p.Asn464Thrfs*7) in the COL4A4 gene. It is expected to result in an absent or disrupted protein product. Loss-of-function variants in COL4A4 are known to be pathogenic (PMID: 21196518, 24854265, 25307543).

Bioscientia Institut fuer Medizinische Diagnostik GmbH, Sonic Healthcare
Classification: Pathogenic for Autosomal dominant Alport syndrome. Last evaluated: 2018-10-09. Review status: no assertion criteria provided. Collection method: clinical testing. Allele origin: germline. Affected: yes. Not counted in ClinVar's aggregate classification.

Literature cited by the submitters: PubMed 21196518 (cited by Labcorp Genetics (formerly Invitae), Labcorp); PubMed 24854265 (cited by Labcorp Genetics (formerly Invitae), Labcorp); PubMed 25307543 (cited by Labcorp Genetics (formerly Invitae), Labcorp).